The following is an entry in ClinVar:

NM_004656.4(BAP1):c.932A>G (p.Asp311Gly)

Gene: BAP1 (BRCA1 associated deubiquitinase 1; minus strand). Cytogenetic location: 3p21.1.
Variant type: single nucleotide variant.
Coding change: c.932A>G on transcript NM_004656.4 (MANE Select); coding-DNA position 932, A replaced by G.
Protein change: p.Asp311Gly; replaces aspartic acid 311 with glycine.
Molecular consequence: missense variant.
Genome position (GRCh38, 1-based): chr3:52,405,294, T>C on the plus strand (A>G on the coding strand, the complement: BAP1 is on the minus strand). VCF-style: chr3-52405294-T-C. GRCh37 (hg19) VCF-style: chr3-52439310-T-C.
Other names: short protein forms D311G.
Identifiers: ClinVar variation 1016417 (VCV001016417.5), dbSNP rs1705115190, ClinGen allele CA353106393.

ClinVar aggregate classification (germline): Uncertain significance (1 of 4 stars; one submission).

Conditions:
BAP1-related tumor predisposition syndrome (TPDS1). Also called: COMMON Syndrome; TUMOR PREDISPOSITION SYNDROME 1; BAP1 tumor predisposition syndrome; Tumor susceptibility linked to germline BAP1 mutations. Identifiers: Orphanet 289539, MedGen C3280492, MONDO:0013692, OMIM 614327.

Submission:

Labcorp Genetics (formerly Invitae), Labcorp
Classification: Uncertain significance for BAP1-related tumor predisposition syndrome. Last evaluated: 2022-07-26. Review status: criteria provided, single submitter. Criteria: Invitae Variant Classification Sherloc (09022015). Collection method: clinical testing. Allele origin: germline.
Comment: This sequence change replaces aspartic acid, which is acidic and polar, with glycine, which is neutral and non-polar, at codon 311 of the BAP1 protein (p.Asp311Gly). This variant is not present in population databases (gnomAD no frequency). This variant has not been reported in the literature in individuals affected with BAP1-related conditions. ClinVar contains an entry for this variant (Variation ID: 1016417). Algorithms developed to predict the effect of missense changes on protein structure and function are either unavailable or do not agree on the potential impact of this missense change (SIFT: "Deleterious"; PolyPhen-2: "Benign"; Align-GVGD: "Class C0"). Algorithms developed to predict the effect of sequence changes on RNA splicing suggest that this variant may create or strengthen a splice site. In summary, the available evidence is currently insufficient to determine the role of this variant in disease. Therefore, it has been classified as a Variant of Uncertain Significance.